The following is an entry in ClinVar:

ClinVar aggregate classification (germline): Likely pathogenic (1 of 4 stars; one submission).

Conditions:
Familial dysautonomia. Also called: HSAN III; FD. Identifiers: Orphanet 1764, MedGen C0013364, MONDO:0009131, OMIM 223900. Disease mechanism: loss of function.

Submission:

Myriad Genetics, Inc.
Classification: Likely pathogenic for Familial dysautonomia. Last evaluated: 2022-01-25. Review status: criteria provided, single submitter. Criteria: Myriad Women's Health Autosomal Recessive and X-Linked Classification Criteria (2021). Collection method: clinical testing. Allele origin: unknown.
Comment: NM_003640.3(ELP1):c.555del1ins9(H185Qfs*2) is expected to be pathogenic in the context of familial dysautonomia. This variant is predicted to lead to an abnormal or absent protein product due to the creation of a premature termination codon in ELP1, a gene where loss-of-function variants are known to be pathogenic. Please note: this variant was assessed in the context of healthy population screening.

NM_003640.5(ELP1):c.555delinsATGAAGACA (p.His185delinsGlnTer)

Gene: ELP1 (elongator acetyltransferase complex subunit 1; minus strand). Cytogenetic location: 9q31.3.
Variant type: Indel.
Coding change: c.555delinsATGAAGACA on transcript NM_003640.5 (MANE Select); coding-DNA position 555, T replaced by ATGAAGACA.
Protein change: p.His185delinsGlnTer.
Molecular consequence: nonsense. On other transcripts: intron variant (1).
Genome position (GRCh38, 1-based): chr9:108,919,347, A replaced by TGTCTTCAT on the plus strand (T replaced by ATGAAGACA on the coding strand, the reverse complement: ELP1 is on the minus strand). VCF-style: chr9-108919347-A-TGTCTTCAT. GRCh37 (hg19) VCF-style: chr9-111681627-A-TGTCTTCAT.
Other names: c.213delinsATGAAGACA, p.His71delinsGlnTer (NM_001318360.2); c.-307-1677delinsATGAAGACA (NM_001330749.2).
Identifiers: ClinVar variation 1724089 (VCV001724089.2), dbSNP rs2537943735, ClinGen allele CA2580079519.